The following continues an entry in ClinVar:

NM_000059.4(BRCA2):c.9257-16T>C

Gene: BRCA2. ClinVar aggregate classification (germline): Benign. Benign (1).

Submissions 26 to 29 of 29:

Department of Pathology and Laboratory Medicine, Sinai Health System
Classification: Benign. Review status: no assertion criteria provided. Collection method: clinical testing. Allele origin: unknown. Affected: yes. Study: The Canadian Open Genetics Repository (COGR). Not counted in ClinVar's aggregate classification.
Comment: The BRCA2 c.9257-16T>C variant was identified in 121 of 53524 proband chromosomes (frequency: 0.002) from individuals or families with Breast and Ovarian cancer, and was present in 4 of 530 control chromosomes (frequency: 0.08) from healthy individuals (Caputo 2011, Borg 2010, Hadijisavvas 2003, Cvok 2008, Diez 2003). The variant was identified in dbSNP (ID: rs11571818) with â€šÃ„Ãºotherâ€šÃ„Ã¹ allele, with a minor allele frequency of 0.0044(1000 Genomes Project); in NHLBI Exome Sequencing Project (Exome Variant Server) in 67 of 8600 European and 10 of 4406 African Americans; in Exome Aggregation Consortium (ExAC) database in 574(3 homozygote) of 56204 of Europeans(non-Finnish), in 15 of 9522 Africans, in 25 of 10298 Latinos, in 116 (4 homozygote) of 15288 South Asians , in 77 (2 homozygote) of 6222 Europeans (Finnish) and 5 of 820 other populations, increasing the likelihood that this may be a low frequency benign variant in certain populations of origin. The variant was also found in LOVD, the ClinVar database (classified as a benign variant by the Sharing Clinical Reports Project, derived from Myriad reports, classified as benign by Invitae, as benign by Counsyl, as benign by GeneDX, as benign by Emory Genetics, as Likely benign by CHEO and as uncertain significance by BIC). It was also identified in GeneInsight through the Canadian Open Genetics Repository (1X, classified as â€šÃ„Ãºlikely benignâ€šÃ„Ã¹ by a clinical laboratory), the BIC database (12X with no clinical importance), and UMD (73X as a neutral variant). In UMD the variant was identified with a co-occurring pathogenic BRCA1 and BRCA2 variants (BRCA1:c.5116G>A (p.Gly1706Arg), c.4391delC (p.Pro1464LeufsX2), c.81_134delp.Cys27X); BRCA2:c.6275_6276delTT (p.Leu2092ProfsX7), c.4889C>G (p.Ser1630X), increasing the likelihood that the c.9257-16T>C variant does not have clinical significance. The c.9257-16T>C variant occurs outside of the splicing consensus sequence and in silico or computational prediction software programs (SpliceSiteFinder, MaxEntScan, NNSPLICE, GeneSplicer, HumanSpliceFinder) do not predict a difference in splicing. In addition splicing studies (Bonnet 2008, Claes 2003) showed that the c.9257-16T>C do not result in aberrant splicing. In summary, based on the above information, this variant meets our laboratory's criteria to be classified as benign.

Diagnostic Laboratory, Department of Genetics, University Medical Center Groningen
Classification: Benign for Breast-ovarian cancer, familial, susceptibility to, 2. Review status: no assertion criteria provided. Collection method: clinical testing. Allele origin: germline. Affected: yes. Study: VKGL Data-share Consensus. Not counted in ClinVar's aggregate classification.

Joint Genome Diagnostic Labs from Nijmegen and Maastricht, Radboudumc and MUMC+
Classification: Benign. Review status: no assertion criteria provided. Collection method: clinical testing. Allele origin: germline. Affected: yes. Study: VKGL Data-share Consensus. Not counted in ClinVar's aggregate classification.

Laboratory of Diagnostic Genome Analysis, Leiden University Medical Center (LUMC)
Classification: Likely benign. Review status: no assertion criteria provided. Collection method: clinical testing. Allele origin: germline. Affected: yes. Study: VKGL Data-share Consensus. Not counted in ClinVar's aggregate classification.

Literature cited by the submitters: DOI 10.3389/fgene.2022.834265 (cited by National Health Laboratory Service, Universitas Academic Hospital and University of the Free State); PubMed 20104584 (cited by Women's Health and Genetics/Laboratory Corporation of America, LabCorp); PubMed 18424508 (cited by Women's Health and Genetics/Laboratory Corporation of America, LabCorp and Counsyl); PubMed 22144684 (cited by Women's Health and Genetics/Laboratory Corporation of America, LabCorp and Counsyl); PubMed 12759930 (cited by Women's Health and Genetics/Laboratory Corporation of America, LabCorp and Counsyl); PubMed 21735045 (cited by Women's Health and Genetics/Laboratory Corporation of America, LabCorp); PubMed 21394826 (cited by Women's Health and Genetics/Laboratory Corporation of America, LabCorp); PubMed 22505045 (cited by Women's Health and Genetics/Laboratory Corporation of America, LabCorp); PubMed 12552570 (cited by Counsyl); PubMed 12955716 (cited by Counsyl).